The following is an entry in ClinVar:

ClinVar aggregate classification (germline): Uncertain significance (1 of 4 stars; one submission).

gnomAD v4.1: 1 of 1,613,782 alleles (0.000062%); no homozygotes.

Submission:

Labcorp Genetics (formerly Invitae), Labcorp
Classification: Uncertain significance. Last evaluated: 2023-02-05. Review status: criteria provided, single submitter. Criteria: Invitae Variant Classification Sherloc (09022015). Collection method: clinical testing. Allele origin: germline.
Comment: In summary, the available evidence is currently insufficient to determine the role of this variant in disease. Therefore, it has been classified as a Variant of Uncertain Significance. Variants that disrupt the consensus splice site are a relatively common cause of aberrant splicing (PMID: 17576681, 9536098). Algorithms developed to predict the effect of sequence changes on RNA splicing suggest that this variant may disrupt the consensus splice site. Advanced modeling of protein sequence and biophysical properties (such as structural, functional, and spatial information, amino acid conservation, physicochemical variation, residue mobility, and thermodynamic stability) performed at Invitae indicates that this missense variant is not expected to disrupt COL7A1 protein function. This variant has not been reported in the literature in individuals affected with COL7A1-related conditions. This variant is not present in population databases (gnomAD no frequency). This sequence change replaces methionine, which is neutral and non-polar, with isoleucine, which is neutral and non-polar, at codon 2538 of the COL7A1 protein (p.Met2538Ile). This variant also falls at the last nucleotide of exon 101, which is part of the consensus splice site for this exon.

Literature cited by the submitters: PubMed 17576681; PubMed 9536098.

NM_000094.4(COL7A1):c.7614G>A (p.Met2538Ile)

Gene: COL7A1 (collagen type VII alpha 1 chain; minus strand). Cytogenetic location: 3p21.31.
Variant type: single nucleotide variant.
Coding change: c.7614G>A on transcript NM_000094.4 (MANE Select); coding-DNA position 7614, G replaced by A.
Protein change: p.Met2538Ile; replaces methionine 2538 with isoleucine.
Molecular consequence: missense variant.
Genome position (GRCh38, 1-based): chr3:48,569,592, C>T on the plus strand (G>A on the coding strand, the complement: COL7A1 is on the minus strand). VCF-style: chr3-48569592-C-T. GRCh37 (hg19) VCF-style: chr3-48607025-C-T.
Other names: short protein forms M2538I.
Identifiers: ClinVar variation 3019625 (VCV003019625.3), dbSNP rs2043783001, ClinGen allele CA352644159.